The following is an entry in ClinVar:

ClinVar aggregate classification (germline): Uncertain significance (1 of 4 stars; one submission).

Conditions:
Epidermolysis bullosa simplex 5B, with muscular dystrophy (EBS5B). Also called: Epidermolysis bullosa simplex with muscular dystrophy; EPIDERMOLYSIS BULLOSA SIMPLEX AND LIMB-GIRDLE MUSCULAR DYSTROPHY. Identifiers: Orphanet 257, MedGen C2931072, MONDO:0009181, OMIM 226670.
Epidermolysis bullosa simplex 5C, with pyloric atresia (EBS5C). Also called: PLEC1-Related Epidermolysis Bullosa with Pyloric Atresia; Epidermolysis bullosa simplex with pyloric atresia; PLEC-Related Epidermolysis Bullosa with Pyloric Atresia. Identifiers: Orphanet 158684, MedGen C2677349, MONDO:0012807, OMIM 612138.
Epidermolysis bullosa simplex, Ogna type (EBS5A). Also called: Pidermolysis bullosa simplex 5A, Ogna type; EPIDERMOLYSIS BULLOSA SIMPLEX 5A, OGNA TYPE. Identifiers: Orphanet 79401, MedGen C0432317, MONDO:0007555, OMIM 131950.
Autosomal recessive limb-girdle muscular dystrophy type 2Q (LGMDR17). Also called: MUSCULAR DYSTROPHY, LIMB-GIRDLE, AUTOSOMAL RECESSIVE 17. Identifiers: Orphanet 254361, MedGen C3150989, MONDO:0013390, OMIM 613723.
Epidermolysis bullosa simplex with nail dystrophy (EBS5D). Identifiers: MedGen C4225309, MONDO:0014661, OMIM 616487.

Allele frequency attached by ClinVar (database versions not stated): gnomAD exomes 0.00001; ExAC 0.00002.
gnomAD v4.1: 7 of 1,597,490 alleles (0.00044%); highest among the groups gnomAD compares: Middle Eastern, 0.017%; no homozygotes.

Submission:

Labcorp Genetics (formerly Invitae), Labcorp
Classification: Uncertain significance for Autosomal recessive limb-girdle muscular dystrophy type 2Q; Epidermolysis bullosa simplex, Ogna type; Epidermolysis bullosa simplex with nail dystrophy; Epidermolysis bullosa simplex 5C, with pyloric atresia; Epidermolysis bullosa simplex 5B, with muscular dystrophy. Last evaluated: 2025-08-21. Review status: criteria provided, single submitter. Criteria: Invitae Variant Classification Sherloc (09022015). Collection method: clinical testing. Allele origin: germline.
Comment: This sequence change replaces glutamic acid, which is acidic and polar, with aspartic acid, which is acidic and polar, at codon 1241 of the PLEC protein (p.Glu1241Asp). This variant is present in population databases (rs782561993, gnomAD 0.007%). This variant has not been reported in the literature in individuals affected with PLEC-related conditions. ClinVar contains an entry for this variant (Variation ID: 857845). Experimental studies and prediction algorithms are not available or were not evaluated, and the functional significance of this variant is currently unknown. In summary, the available evidence is currently insufficient to determine the role of this variant in disease. Therefore, it has been classified as a Variant of Uncertain Significance.

NM_201384.3(PLEC):c.3642G>C (p.Glu1214Asp)

Gene: PLEC (plectin; minus strand). Cytogenetic location: 8q24.3.
Variant type: single nucleotide variant.
Coding change: c.3642G>C on transcript NM_201384.3 (MANE Select); coding-DNA position 3642, G replaced by C.
Protein change: p.Glu1214Asp; replaces glutamic acid 1214 with aspartic acid.
Molecular consequence: missense variant.
Genome position (GRCh38, 1-based): chr8:143,927,524, C>G on the plus strand (G>C on the coding strand, the complement: PLEC is on the minus strand). VCF-style: chr8-143927524-C-G. GRCh37 (hg19) VCF-style: chr8-145001692-C-G.
Other names: c.3723G>C, p.Glu1241Asp (NM_000445.5); c.3600G>C, p.Glu1200Asp (NM_201378.4); c.3576G>C, p.Glu1192Asp (NM_201379.3); c.4053G>C, p.Glu1351Asp (NM_201380.4); c.3546G>C, p.Glu1182Asp (NM_201381.3); c.3642G>C, p.Glu1214Asp (NM_201382.4); c.3654G>C, p.Glu1218Asp (NM_201383.3); short protein forms E1182D, E1200D, E1214D, E1218D, E1351D, E1192D, E1241D.
Identifiers: ClinVar variation 857845 (VCV000857845.6), dbSNP rs782561993, ClinGen allele CA4926995.